The following is an entry in ClinVar:

ClinVar aggregate classification (germline): Uncertain significance (1 of 4 stars; one submission).

Conditions:
Dystonia 12 (DYT12). Also called: DYT-ATP1A3; Rapid-Onset Dystonia-Parkinsonism (RDP). Identifiers: Orphanet 71517, MedGen C1868681, MONDO:0007496, OMIM 128235.

Submission:

Labcorp Genetics (formerly Invitae), Labcorp
Classification: Uncertain significance for Dystonia 12. Last evaluated: 2022-03-09. Review status: criteria provided, single submitter. Criteria: Invitae Variant Classification Sherloc (09022015). Collection method: clinical testing. Allele origin: germline.
Comment: In summary, the available evidence is currently insufficient to determine the role of this variant in disease. Therefore, it has been classified as a Variant of Uncertain Significance. Algorithms developed to predict the effect of sequence changes on RNA splicing suggest that this variant may create or strengthen a splice site. This variant has not been reported in the literature in individuals affected with ATP1A3-related conditions. This variant is not present in population databases (gnomAD no frequency). This sequence change affects codon 930 of the ATP1A3 mRNA. It is a 'silent' change, meaning that it does not change the encoded amino acid sequence of the ATP1A3 protein.

NM_152296.5(ATP1A3):c.2790G>T (p.Arg930=)

Gene: ATP1A3 (ATPase Na+/K+ transporting subunit alpha 3; minus strand). Cytogenetic location: 19q13.2.
Variant type: single nucleotide variant.
Coding change: c.2790G>T on transcript NM_152296.5 (MANE Select); coding-DNA position 2790, G replaced by T.
Protein change: p.Arg930=; no amino-acid change (arginine 930 retained).
Molecular consequence: synonymous variant.
Genome position (GRCh38, 1-based): chr19:41,968,814, C>A on the plus strand (G>T on the coding strand, the complement: ATP1A3 is on the minus strand). VCF-style: chr19-41968814-C-A. GRCh37 (hg19) VCF-style: chr19-42472966-C-A.
Other names: c.2823G>T, p.Arg941= (NM_001256213.2); c.2829G>T, p.Arg943= (NM_001256214.2).
Identifiers: ClinVar variation 2152059 (VCV002152059.4), dbSNP rs782317175, ClinGen allele CA507581547.